The following is an entry in ClinVar:

ClinVar aggregate classification (germline): Uncertain significance (1 of 4 stars; one submission).

gnomAD v4.1: 5 of 1,613,880 alleles (0.00031%); highest among the groups gnomAD compares: Non-Finnish European, 0.00034%; no homozygotes.

Submission:

Labcorp Genetics (formerly Invitae), Labcorp
Classification: Uncertain significance. Last evaluated: 2022-03-10. Review status: criteria provided, single submitter. Criteria: Invitae Variant Classification Sherloc (09022015). Collection method: clinical testing. Allele origin: germline.
Comment: This sequence change replaces alanine, which is neutral and non-polar, with glycine, which is neutral and non-polar, at codon 1180 of the COL7A1 protein (p.Ala1180Gly). This variant is present in population databases (rs781625285, gnomAD 0.003%). This variant has not been reported in the literature in individuals affected with COL7A1-related conditions. Advanced modeling of protein sequence and biophysical properties (such as structural, functional, and spatial information, amino acid conservation, physicochemical variation, residue mobility, and thermodynamic stability) performed at Invitae indicates that this missense variant is not expected to disrupt COL7A1 protein function. In summary, the available evidence is currently insufficient to determine the role of this variant in disease. Therefore, it has been classified as a Variant of Uncertain Significance.

NM_000094.4(COL7A1):c.3539C>G (p.Ala1180Gly)

Gene: COL7A1 (collagen type VII alpha 1 chain; minus strand). Cytogenetic location: 3p21.31.
Variant type: single nucleotide variant.
Coding change: c.3539C>G on transcript NM_000094.4 (MANE Select); coding-DNA position 3539, C replaced by G.
Protein change: p.Ala1180Gly; replaces alanine 1180 with glycine.
Molecular consequence: missense variant.
Genome position (GRCh38, 1-based): chr3:48,586,343, G>C on the plus strand (C>G on the coding strand, the complement: COL7A1 is on the minus strand). VCF-style: chr3-48586343-G-C. GRCh37 (hg19) VCF-style: chr3-48623776-G-C.
Other names: short protein forms A1180G.
Identifiers: ClinVar variation 1925410 (VCV001925410.2), dbSNP rs781625285, ClinGen allele CA2380498.
Genomic context (GRCh38, chr3:48,586,343, plus strand): 5'-CAGGGCCACCCCTATTCCCAGACCCCTTCCCCATCAGCCTACTCCTTACCAGAAGCCTGG[G>C]CCTCACGGATGGGGCTGAATATGTCACCTCTCAAGGGTTCATCCACTAGCAGAACCATCA-3'
Protein context (NP_000085.1, residues 1170-1190): RGDIFSPIRE[Ala1180Gly]QASGLNVVML